The following is an entry in ClinVar:

NM_001378414.1(HDAC4):c.22+9G>A

Gene: HDAC4 (histone deacetylase 4; minus strand). Cytogenetic location: 2q37.3.
Variant type: single nucleotide variant.
Coding change: c.22+9G>A on transcript NM_001378414.1 (MANE Select); 9 bases into the intron after coding-DNA position 22, G replaced by A.
Molecular consequence: intron variant.
Genome position (GRCh38, 1-based): chr2:239,352,669, C>T on the plus strand (G>A on the coding strand, the complement: HDAC4 is on the minus strand). VCF-style: chr2-239352669-C-T. GRCh37 (hg19) VCF-style: chr2-240274364-C-T.
Other names: c.22+9G>A (NM_001378417.1, NM_001378415.1, NM_001378416.1 and 1 more transcripts).
Identifiers: ClinVar variation 3057585 (VCV003057585.2), dbSNP rs377188580, ClinGen allele CA2200426.

ClinVar aggregate classification (germline): Likely benign (0 of 4 stars; one submission).

Conditions:
HDAC4-related disorder. Also called: HDAC4-related condition.

Allele frequency attached by ClinVar (database versions not stated): gnomAD 0.00001; gnomAD exomes 0.00001; TOPMed 0.00002; ESP Exome Variant Server 0.00008.
gnomAD v4.1: 8 of 1,554,626 alleles (0.00051%); highest among the groups gnomAD compares: Non-Finnish European, 0.0007%; no homozygotes.

Submission:

PreventionGenetics, part of Exact Sciences
Classification: Likely benign for HDAC4-related condition. Last evaluated: 2019-04-12. Review status: no assertion criteria provided. Collection method: clinical testing. Allele origin: germline.
Comment: This variant is classified as likely benign based on ACMG/AMP sequence variant interpretation guidelines (Richards et al. 2015 PMID: 25741868, with internal and published modifications).